The following is an entry in ClinVar:

ClinVar aggregate classification (germline): Likely pathogenic (1 of 4 stars; one submission).

Conditions:
Cystinuria (CSNU). Also called: Cystinuria, non-type I; CYSTINURIA, TYPE I; CYSTINURIA, TYPE II; CYSTINURIA, TYPE III. Identifiers: Orphanet 214, MedGen C0010691, MONDO:0009067, OMIM 220100, HP:0003131.

gnomAD v4.1: 4 of 1,614,092 alleles (0.00025%); highest among the groups gnomAD compares: Non-Finnish European, 0.00034%; no homozygotes.

Submission:

Victorian Clinical Genetics Services, Murdoch Childrens Research Institute
Classification: Likely pathogenic for Cystinuria. Last evaluated: 2026-06-25. Review status: criteria provided, single submitter. Criteria: ACMG Guidelines, 2015. Collection method: clinical testing. Allele origin: germline. Affected: yes.
Comment: This variant is classified as Likely pathogenic. Evidence in support of pathogenic classification: Variant is present in gnomAD <0.01 (v4: 4 heterozygote(s), 0 homozygote(s)); Missense variant predicted to be damaging by in silico tool(s) or highly conserved with a major amino acid change; Heterozygous variant detected in trans with a second PATHOGENIC heterozygous variant (NM_014270.5(SLC7A9):c.614dup; p.(Asn206Glufs*3)) in a recessive disease. Additional information: Variant is predicted to result in a missense amino acid change from Gly to Glu; This variant is heterozygous; This gene is associated with both recessive and dominant disease. Some heterozygous variants have been reported to present with a milder phenotype (OMIM, PMID: 11157794); This variant has no previous evidence of pathogenicity; No published evidence of segregation with disease has been identified for this variant; No published functional evidence has been identified for this variant; No comparable missense variants have previous evidence for pathogenicity; Variant is located in the annotated amino acid permease domain (DECIPHER); Loss of function is a known mechanism of disease in this gene and is associated with cystinuria (MIM#220100); The condition associated with this gene has incomplete penetrance. Autosomal dominant cystinuria has been reported to have incomplete penetrance (PMID: 25964309).

Literature cited by the submitters: PubMed 25964309; PubMed 11157794.

NM_014270.5(SLC7A9):c.284G>A (p.Gly95Glu)

Gene: SLC7A9 (solute carrier family 7 member 9; minus strand). Cytogenetic location: 19q13.11.
Variant type: single nucleotide variant.
Coding change: c.284G>A on transcript NM_014270.5 (MANE Select); coding-DNA position 284, G replaced by A.
Protein change: p.Gly95Glu; replaces glycine 95 with glutamic acid.
Molecular consequence: missense variant.
Genome position (GRCh38, 1-based): chr19:32,864,290, C>T on the plus strand (G>A on the coding strand, the complement: SLC7A9 is on the minus strand). VCF-style: chr19-32864290-C-T. GRCh37 (hg19) VCF-style: chr19-33355196-C-T.
Other names: c.284G>A, p.Gly95Glu (NM_001126335.2, NM_001243036.2); short protein forms G95E.
Identifiers: ClinVar variation 4818957 (VCV004818957.2).